The following is an entry in ClinVar:

ClinVar aggregate classification (germline): Likely pathogenic (1 of 4 stars; one submission).

Conditions:
Marfan syndrome (MFS). Also called: MARFAN SYNDROME, TYPE I; Marfan syndrome type 1; Marfan's syndrome; Marfan syndrome, classic; FBN1-Related Marfan Syndrome. Identifiers: Orphanet 284963, Orphanet 558, MedGen C0024796, MONDO:0007947, OMIM 154700.
Familial thoracic aortic aneurysm and aortic dissection (TAAD). Also called: Thoracic aortic aneurysms and dissections. Identifiers: Orphanet 91387, MedGen C4707243, MONDO:0019625.

Submission:

Labcorp Genetics (formerly Invitae), Labcorp
Classification: Likely pathogenic for Marfan syndrome; Familial thoracic aortic aneurysm and aortic dissection. Last evaluated: 2021-04-10. Review status: criteria provided, single submitter. Criteria: Invitae Variant Classification Sherloc (09022015). Collection method: clinical testing. Allele origin: germline.
Comment: This sequence change replaces cysteine with serine at codon 1977 of the FBN1 protein (p.Cys1977Ser). The cysteine residue is highly conserved and there is a moderate physicochemical difference between cysteine and serine. This variant is not present in population databases (ExAC no frequency). This variant has not been reported in the literature in individuals with FBN1-related conditions. Advanced modeling of protein sequence and biophysical properties (such as structural, functional, and spatial information, amino acid conservation, physicochemical variation, residue mobility, and thermodynamic stability) performed at Invitae indicates that this missense variant is expected to disrupt FBN1 protein function. This variant affects a cysteine residue in the EGF-like, TGFBP or hybrid motif domains of FBN1. Cysteine residues are believed to be involved in intramolecular disulfide bridges and have been shown to be important for FBN1 protein structure (PMID: 16905551, 19349279). In addition, missense substitutions affecting cysteine residues within these domains are significantly overrepresented among patients with Marfan syndrome (PMID: 16571647, 17701892). In summary, the currently available evidence indicates that the variant is pathogenic, but additional data are needed to prove that conclusively. Therefore, this variant has been classified as Likely Pathogenic. This variant disrupts the p.Cys1977 amino acid residue in FBN1. Other variant(s) that disrupt this residue have been observed in individuals with FBN1-related conditions (PMID: 12161601, 18435798), which suggests that this may be a clinically significant amino acid residue.

Literature cited by the submitters: PubMed 16905551; PubMed 19349279; PubMed 16571647; PubMed 17701892; PubMed 12161601; PubMed 18435798.

NM_000138.5(FBN1):c.5929T>A (p.Cys1977Ser)

Gene: FBN1 (fibrillin 1; minus strand). Cytogenetic location: 15q21.1.
Variant type: single nucleotide variant.
Coding change: c.5929T>A on transcript NM_000138.5 (MANE Select); coding-DNA position 5929, T replaced by A.
Protein change: p.Cys1977Ser; replaces cysteine 1977 with serine.
Molecular consequence: missense variant.
Genome position (GRCh38, 1-based): chr15:48,444,649, A>T on the plus strand (T>A on the coding strand, the complement: FBN1 is on the minus strand). VCF-style: chr15-48444649-A-T. GRCh37 (hg19) VCF-style: chr15-48736846-A-T.
Other names: short protein forms C1977S.
Identifiers: ClinVar variation 1500362 (VCV001500362.8), dbSNP rs2141248174, ClinGen allele CA392339880.